The following is an entry in ClinVar:

NM_001329943.3(KIAA0586):c.2984A>G (p.Asp995Gly)

Gene: KIAA0586 (KIAA0586; plus strand). Cytogenetic location: 14q23.1.
Variant type: single nucleotide variant.
Coding change: c.2984A>G on transcript NM_001329943.3 (MANE Select); coding-DNA position 2984, A replaced by G.
Protein change: p.Asp995Gly; replaces aspartic acid 995 with glycine.
Molecular consequence: missense variant.
Genome position (GRCh38, 1-based): chr14:58,482,552, A>G. VCF-style: chr14-58482552-A-G. GRCh37 (hg19) VCF-style: chr14-58949270-A-G.
Other names: p.Asp1048Gly; c.3143A>G, p.Asp1048Gly (NM_001244189.2); c.2939A>G, p.Asp980Gly (NM_001244190.2); c.2729A>G, p.Asp910Gly (NM_001244191.2, NM_001329945.2, NM_001364700.1 and 1 more transcripts); c.2852A>G, p.Asp951Gly (NM_001244192.2); c.2564A>G, p.Asp855Gly (NM_001244193.2); c.2984A>G, p.Asp995Gly (NM_001329944.2, NM_001329946.2, NM_001329947.2); c.2756A>G, p.Asp919Gly (NM_014749.5); and 1 more; short protein forms D910G, D919G, D951G, D1048G, D855G, D980G, D995G.
Identifiers: ClinVar variation 1440869 (VCV001440869.10), dbSNP rs368583200, ClinGen allele CA7206033.

ClinVar aggregate classification (germline): Uncertain significance. Review status: criteria provided, multiple submitters, no conflicts (2 of 4 stars). 4 submissions from 4 submitters: Uncertain significance (4). Last evaluated 2024-11-06.

Conditions:
Inborn genetic diseases. Identifiers: MedGen C0950123, MeSH D030342.
Short-rib thoracic dysplasia 14 with polydactyly (SRTD14). Identifiers: Orphanet 397715, MedGen C4225286, MONDO:0014688, OMIM 616546.
Joubert syndrome 23 (JBTS23). Identifiers: Orphanet 475, MedGen C4084822, MONDO:0014664, OMIM 616490.

Allele frequency attached by ClinVar (database versions not stated): gnomAD 0.00002 and 0.00003; ExAC 0.00003; gnomAD exomes 0.00004 and 0.00009; ESP Exome Variant Server 0.00008.
gnomAD v4.1: 121 of 1,570,324 alleles (0.0077%); highest among the groups gnomAD compares: Non-Finnish European, 0.01%; no homozygotes.

Submissions (4):

Blueprint Genetics
Classification: Uncertain significance. Last evaluated: 2024-11-06. Review status: criteria provided, single submitter. Criteria: ACMG Guidelines, 2015. Collection method: clinical testing. Allele origin: germline.

Ambry Genetics
Classification: Uncertain significance for Inborn genetic diseases. Last evaluated: 2024-10-04. Review status: criteria provided, single submitter. Criteria: Ambry Variant Classification Scheme 2023. Collection method: clinical testing. Allele origin: germline.

Mayo Clinic Laboratories, Mayo Clinic
Classification: Uncertain significance. Last evaluated: 2024-04-10. Review status: criteria provided, single submitter. Criteria: ACMG Guidelines, 2015. Collection method: clinical testing. Allele origin: germline. Observed: 1 variant allele.

Labcorp Genetics (formerly Invitae), Labcorp
Classification: Uncertain significance for Joubert syndrome 23; Short-rib thoracic dysplasia 14 with polydactyly. Last evaluated: 2022-09-06. Review status: criteria provided, single submitter. Criteria: Invitae Variant Classification Sherloc (09022015). Collection method: clinical testing. Allele origin: germline.
Comment: This sequence change replaces aspartic acid, which is acidic and polar, with glycine, which is neutral and non-polar, at codon 1048 of the KIAA0586 protein (p.Asp1048Gly). This variant is present in population databases (rs368583200, gnomAD 0.008%). In summary, the available evidence is currently insufficient to determine the role of this variant in disease. Therefore, it has been classified as a Variant of Uncertain Significance. Algorithms developed to predict the effect of missense changes on protein structure and function are either unavailable or do not agree on the potential impact of this missense change (SIFT: "Deleterious"; PolyPhen-2: "Possibly Damaging"; Align-GVGD: "Class C0"). ClinVar contains an entry for this variant (Variation ID: 1440869). This variant has not been reported in the literature in individuals affected with KIAA0586-related conditions.